The following is an entry in ClinVar:

NM_004456.5(EZH2):c.237del (p.Thr80fs)

Gene: EZH2 (enhancer of zeste 2 polycomb repressive complex 2 subunit; minus strand). Cytogenetic location: 7q36.1.
Variant type: Deletion.
Coding change: c.237del on transcript NM_004456.5 (MANE Select); coding-DNA position 237, one base deleted (G; older notation c.237delG).
Protein change: p.Thr80fs; shifts the reading frame from threonine 80.
Molecular consequence: frameshift variant. On other transcripts: intron variant (2).
Genome position (GRCh38, 1-based): chr7:148,846,479, C deleted on the plus strand (G on the coding strand, the reverse complement: EZH2 is on the minus strand); the first of 3 consecutive C bases (chr7:148,846,479-148,846,481); deleting any one gives the same sequence. VCF-style (leftmost placement, unchanged base first): chr7-148846478-TC-T. GRCh37 (hg19) VCF-style: chr7-148543570-TC-T.
Other names: c.237del, p.Thr80fs (NM_001203247.2, NM_152998.3); c.235delG, p.Thr80Leufs (NM_004456.4); c.219+18del (NM_001203248.2, NM_001203249.2); short protein forms T80fs.
Identifiers: ClinVar variation 2579787 (VCV002579787.1), dbSNP rs2537869480, ClinGen allele CA2580617919.

ClinVar aggregate classification (germline): Uncertain significance (1 of 4 stars; one submission).

Submission:

GeneDx
Classification: Uncertain significance. Last evaluated: 2023-03-14. Review status: criteria provided, single submitter. Criteria: GeneDx Variant Classification Process June 2021. Collection method: clinical testing. Allele origin: germline. Affected: yes.
Comment: Frameshift variant predicted to result in protein truncation or nonsense mediated decay in a gene or region of a gene for which loss of function is not a well-established mechanism of disease; Not observed at significant frequency in large population cohorts (gnomAD); Has not been previously published as pathogenic or benign to our knowledge